The following is an entry in ClinVar:

ClinVar aggregate classification (germline): Pathogenic (1 of 4 stars; one submission).

Conditions:
Glycine encephalopathy. Also called: Nonketotic hyperglycinemia; Non-ketotic hyperglycinemia. Identifiers: Orphanet 407, MedGen C0751748, MONDO:0011612, HP:0008288.

Submission:

Labcorp Genetics (formerly Invitae), Labcorp
Classification: Pathogenic for Glycine encephalopathy. Last evaluated: 2022-09-06. Review status: criteria provided, single submitter. Criteria: Invitae Variant Classification Sherloc (09022015). Collection method: clinical testing. Allele origin: germline.
Comment: For these reasons, this variant has been classified as Pathogenic. This variant disrupts a region of the AMT protein in which other variant(s) (p.Tyr369*) have been determined to be pathogenic (PMID: 27362913). This suggests that this is a clinically significant region of the protein, and that variants that disrupt it are likely to be disease-causing. This premature translational stop signal has been observed in individual(s) with AMT-related conditions (PMID: 27362913). This variant is not present in population databases (gnomAD no frequency). This sequence change creates a premature translational stop signal (p.Cys367*) in the AMT gene. While this is not anticipated to result in nonsense mediated decay, it is expected to disrupt the last 37 amino acid(s) of the AMT protein.

Literature cited by the submitters: PubMed 27362913.

NM_000481.4(AMT):c.1101C>A (p.Cys367Ter)

Gene: AMT (aminomethyltransferase; minus strand). Cytogenetic location: 3p21.31.
Variant type: single nucleotide variant.
Coding change: c.1101C>A on transcript NM_000481.4 (MANE Select); coding-DNA position 1101, C replaced by A.
Protein change: p.Cys367Ter; replaces cysteine 367 with a stop codon.
Molecular consequence: nonsense. On other transcripts: non-coding transcript variant (1).
Genome position (GRCh38, 1-based): chr3:49,417,651, G>T on the plus strand (C>A on the coding strand, the complement: AMT is on the minus strand). VCF-style: chr3-49417651-G-T. GRCh37 (hg19) VCF-style: chr3-49455084-G-T.
Other names: c.969C>A, p.Cys323Ter (NM_001164710.2); c.933C>A, p.Cys311Ter (NM_001164711.2); c.1101C>A, p.Cys367Ter (NM_001164712.2); short protein forms C311*, C367*, C323*.
Identifiers: ClinVar variation 2203393 (VCV002203393.4), dbSNP rs753150990, ClinGen allele CA352788905.